The following is an entry in ClinVar:

ClinVar aggregate classification (germline): Benign/Likely benign. Review status: criteria provided, multiple submitters, no conflicts (2 of 4 stars). 3 submissions from 3 submitters: Benign (1); Likely benign (2). Last evaluated 2026-07-13.

Conditions:
Hereditary cancer-predisposing syndrome. Also called: Hereditary Cancer Syndrome; Tumor predisposition; Hereditary neoplastic syndrome; Neoplastic Syndromes, Hereditary. Identifiers: Orphanet 140162, MedGen C0027672, MeSH D009386, MONDO:0015356.
Rhabdoid tumor predisposition syndrome 2 (RTPS2). Identifiers: Orphanet 231108, Orphanet 69077, MedGen C2750074, MONDO:0013224, OMIM 613325.

Allele frequency attached by ClinVar (database versions not stated): TOPMed below 0.00001; gnomAD exomes below 0.00001 and 0.00001.
gnomAD v4.1: 13 of 1,613,684 alleles (0.00081%); highest among the groups gnomAD compares: Non-Finnish European, 0.0011%; no homozygotes.

Submissions (3):

Myriad Genetics, Inc.
Classification: Benign for Rhabdoid tumor predisposition syndrome 2. Last evaluated: 2026-07-13. Review status: criteria provided, single submitter. Criteria: Myriad Autosomal Dominant, Autosomal Recessive and X-Linked Classification Criteria (2023). Collection method: clinical testing. Allele origin: unknown.
Comment: This variant is considered benign. This variant is a silent/synonymous amino acid change and it is not expected to impact splicing.

Labcorp Genetics (formerly Invitae), Labcorp
Classification: Likely benign for Rhabdoid tumor predisposition syndrome 2. Last evaluated: 2025-10-07. Review status: criteria provided, single submitter. Criteria: Invitae Variant Classification Sherloc (09022015). Collection method: clinical testing. Allele origin: germline.

Ambry Genetics
Classification: Likely benign for Hereditary cancer-predisposing syndrome. Last evaluated: 2017-09-12. Review status: criteria provided, single submitter. Criteria: Ambry Variant Classification Scheme 2023. Collection method: clinical testing. Allele origin: germline.

NM_003072.5(SMARCA4):c.2076T>C (p.Asp692=)

Gene: SMARCA4 (SWI/SNF related BAF chromatin remodeling complex subunit ATPase 4; plus strand). Cytogenetic location: 19p13.2.
Variant type: single nucleotide variant.
Coding change: c.2076T>C on transcript NM_003072.5 (MANE Select); coding-DNA position 2076, T replaced by C.
Protein change: p.Asp692=; no amino-acid change (aspartic acid 692 retained).
Molecular consequence: synonymous variant. On other transcripts: non-coding transcript variant (1).
Genome position (GRCh38, 1-based): chr19:11,007,976, T>C. VCF-style: chr19-11007976-T-C. GRCh37 (hg19) VCF-style: chr19-11118652-T-C.
Other names: c.2076T>C, p.Asp692= (NM_001128844.3, NM_001128845.2, NM_001128846.2 and 5 more transcripts).
Identifiers: ClinVar variation 238389 (VCV000238389.17), dbSNP rs878854204, ClinGen allele CA10583737.